The following is an entry in ClinVar:

NM_022041.4(GAN):c.301dup (p.Thr101fs)

Gene: GAN (gigaxonin; plus strand). Cytogenetic location: 16q23.2.
Variant type: Duplication.
Coding change: c.301dup on transcript NM_022041.4 (MANE Select); coding-DNA position 301, one base duplicated (A; older notation c.301dupA).
Protein change: p.Thr101fs; shifts the reading frame from threonine 101.
Molecular consequence: frameshift variant. On other transcripts: 5 prime UTR variant (1).
Genome position (GRCh38, 1-based): chr16:81,354,423, A duplicated. VCF-style (leftmost placement, unchanged base first): chr16-81354422-T-TA. GRCh37 (hg19) VCF-style: chr16-81388027-T-TA.
Other names: c.-339dup (NM_001377486.1); short protein forms T101fs.
Identifiers: ClinVar variation 1438802 (VCV001438802.6), dbSNP rs2150685528, ClinGen allele CA2573152685.

ClinVar aggregate classification (germline): Pathogenic (1 of 4 stars; one submission).

Conditions:
Giant axonal neuropathy 1 (GAN1). Also called: GIANT AXONAL NEUROPATHY 1, AUTOSOMAL RECESSIVE; GAN-Related Neurodegeneration. Identifiers: Orphanet 643, MedGen C1850386, MONDO:0009749, OMIM 256850.

Submission:

Labcorp Genetics (formerly Invitae), Labcorp
Classification: Pathogenic for Giant axonal neuropathy 1. Last evaluated: 2021-11-05. Review status: criteria provided, single submitter. Criteria: Invitae Variant Classification Sherloc (09022015). Collection method: clinical testing. Allele origin: germline.
Comment: For these reasons, this variant has been classified as Pathogenic. This variant has not been reported in the literature in individuals affected with GAN-related conditions. This variant is not present in population databases (gnomAD no frequency). This sequence change creates a premature translational stop signal (p.Thr101Asnfs*10) in the GAN gene. It is expected to result in an absent or disrupted protein product. Loss-of-function variants in GAN are known to be pathogenic (PMID: 12655563, 14718689, 23890932).

Literature cited by the submitters: PubMed 12655563; PubMed 14718689; PubMed 23890932.